The following is an entry in ClinVar:

NM_001394062.1(MACF1):c.21360+5T>C

Gene: MACF1 (microtubule actin crosslinking factor 1; plus strand). Cytogenetic location: 1p34.3.
Variant type: single nucleotide variant.
Coding change: c.21360+5T>C on transcript NM_001394062.1 (MANE Select); 5 bases into the intron after coding-DNA position 21360, T replaced by C.
Molecular consequence: intron variant.
Genome position (GRCh38, 1-based): chr1:39,459,254, T>C. VCF-style: chr1-39459254-T-C. GRCh37 (hg19) VCF-style: chr1-39924926-T-C.
Other names: c.15183+5T>C (NM_012090.5).
Identifiers: ClinVar variation 783935 (VCV000783935.10), dbSNP rs151293171, ClinGen allele CA784643.

ClinVar aggregate classification (germline): Benign. Review status: criteria provided, single submitter (1 of 4 stars). 2 submissions from 2 submitters: Benign (1). 1 of the submissions does not count toward it. Last evaluated 2026-01-25.

Conditions:
MACF1-related disorder. Also called: MACF1-related condition.

Allele frequency attached by ClinVar (database versions not stated): 1000 Genomes Project 30x 0.00828; 1000 Genomes Project 0.00859; gnomAD 0.00884 and 0.00948; TOPMed 0.00996; ESP Exome Variant Server 0.01061.
gnomAD v4.1: 2,594 of 1,606,150 alleles (0.16%); highest among the groups gnomAD compares: African/African-American, 3.1%; 37 homozygotes.

Submissions (2):

Labcorp Genetics (formerly Invitae), Labcorp
Classification: Benign. Last evaluated: 2026-01-25. Review status: criteria provided, single submitter. Criteria: Invitae Variant Classification Sherloc (09022015). Collection method: clinical testing. Allele origin: germline.

PreventionGenetics, part of Exact Sciences
Classification: Benign for MACF1-related condition. Last evaluated: 2024-03-05. Review status: no assertion criteria provided. Collection method: clinical testing. Allele origin: germline. Not counted in ClinVar's aggregate classification.
Comment: This variant is classified as benign based on ACMG/AMP sequence variant interpretation guidelines (Richards et al. 2015 PMID: 25741868, with internal and published modifications).